The following is an entry in ClinVar:

NM_024809.5(TCTN2):c.1552G>A (p.Val518Ile)

Gene: TCTN2 (tectonic family member 2; plus strand). Cytogenetic location: 12q24.31.
Variant type: single nucleotide variant.
Coding change: c.1552G>A on transcript NM_024809.5 (MANE Select); coding-DNA position 1552, G replaced by A.
Protein change: p.Val518Ile; replaces valine 518 with isoleucine.
Molecular consequence: missense variant.
Genome position (GRCh38, 1-based): chr12:123,699,750, G>A. VCF-style: chr12-123699750-G-A. GRCh37 (hg19) VCF-style: chr12-124184297-G-A.
Other names: c.1549G>A, p.Val517Ile (NM_001143850.3); short protein forms V517I, V518I.
Identifiers: ClinVar variation 1431258 (VCV001431258.5), dbSNP rs147469128, ClinGen allele CA6861254.

ClinVar aggregate classification (germline): Uncertain significance. Review status: criteria provided, multiple submitters, no conflicts (2 of 4 stars). 2 submissions from 2 submitters: Uncertain significance (2). Last evaluated 2024-10-25.

Conditions:
Meckel-Gruber syndrome. Also called: DYSENCEPHALIA SPLANCHNOCYSTICA; GRUBER SYNDROME; Dysencephalia splachnocystica. Identifiers: Orphanet 564, MedGen C0265215, MONDO:0018921.
Joubert syndrome. Also called: Familial aplasia of the vermis; JOUBERT-BOLTSHAUSER SYNDROME. Identifiers: Orphanet 475, MedGen C5979921, MONDO:0018772.

Allele frequency attached by ClinVar (database versions not stated): TOPMed 0.00003; ExAC 0.00008; ESP Exome Variant Server 0.00008; gnomAD 0.00008 and 0.00009; gnomAD exomes 0.00009; 1000 Genomes Project 30x 0.00016; 1000 Genomes Project 0.00020.
gnomAD v4.1: 174 of 1,614,188 alleles (0.011%); highest among the groups gnomAD compares: South Asian, 0.069%; no homozygotes.

Submissions (2):

Labcorp Genetics (formerly Invitae), Labcorp
Classification: Uncertain significance for Joubert syndrome; Meckel-Gruber syndrome. Last evaluated: 2024-10-25. Review status: criteria provided, single submitter. Criteria: Invitae Variant Classification Sherloc (09022015). Collection method: clinical testing. Allele origin: germline.
Comment: This sequence change replaces valine, which is neutral and non-polar, with isoleucine, which is neutral and non-polar, at codon 518 of the TCTN2 protein (p.Val518Ile). This variant is present in population databases (rs147469128, gnomAD 0.06%). This variant has not been reported in the literature in individuals affected with TCTN2-related conditions. ClinVar contains an entry for this variant (Variation ID: 1431258). Invitae Evidence Modeling of protein sequence and biophysical properties (such as structural, functional, and spatial information, amino acid conservation, physicochemical variation, residue mobility, and thermodynamic stability) indicates that this missense variant is not expected to disrupt TCTN2 protein function with a negative predictive value of 80%. In summary, the available evidence is currently insufficient to determine the role of this variant in disease. Therefore, it has been classified as a Variant of Uncertain Significance.

Blueprint Genetics
Classification: Uncertain significance. Last evaluated: 2023-03-30. Review status: criteria provided, single submitter. Criteria: ACMG Guidelines, 2015. Collection method: clinical testing. Allele origin: germline.